The following is an entry in ClinVar:

NM_005216.5(DDOST):c.728C>T (p.Ser243Phe)

Gene: DDOST (dolichyl-diphosphooligosaccharide--protein glycosyltransferase non-catalytic subunit; minus strand). Cytogenetic location: 1p36.12.
Variant type: single nucleotide variant.
Coding change: c.728C>T on transcript NM_005216.5 (MANE Select); coding-DNA position 728, C replaced by T.
Protein change: p.Ser243Phe; replaces serine 243 with phenylalanine.
Molecular consequence: missense variant.
Genome position (GRCh38, 1-based): chr1:20,654,289, G>A on the plus strand (C>T on the coding strand, the complement: DDOST is on the minus strand). VCF-style: chr1-20654289-G-A. GRCh37 (hg19) VCF-style: chr1-20980782-G-A.
Other names: short protein forms S243F.
Identifiers: ClinVar variation 864597 (VCV000864597.10), dbSNP rs2053339801, ClinGen allele CA338850428.

ClinVar aggregate classification (germline): Uncertain significance (1 of 4 stars; one submission).

Conditions:
Congenital disorder of glycosylation type Ir (CDG1R). Also called: DDOST-congenital disorder of glycosylation. Identifiers: Orphanet 300536, MedGen C3281084, MONDO:0013789, OMIM 614507.

Submission:

Labcorp Genetics (formerly Invitae), Labcorp
Classification: Uncertain significance for Congenital disorder of glycosylation type Ir. Last evaluated: 2022-01-14. Review status: criteria provided, single submitter. Criteria: Invitae Variant Classification Sherloc (09022015). Collection method: clinical testing. Allele origin: germline.
Comment: Algorithms developed to predict the effect of missense changes on protein structure and function (SIFT, PolyPhen-2, Align-GVGD) all suggest that this variant is likely to be disruptive. This sequence change replaces serine, which is neutral and polar, with phenylalanine, which is neutral and non-polar, at codon 260 of the DDOST protein (p.Ser260Phe). This variant is not present in population databases (gnomAD no frequency). This variant has not been reported in the literature in individuals affected with DDOST-related conditions. ClinVar contains an entry for this variant (Variation ID: 864597). In summary, the available evidence is currently insufficient to determine the role of this variant in disease. Therefore, it has been classified as a Variant of Uncertain Significance.